The following is an entry in ClinVar:

ClinVar aggregate classification (germline): Conflicting classifications of pathogenicity. Review status: criteria provided, conflicting classifications (1 of 4 stars). 2 submissions from 2 submitters: Likely pathogenic (1); Uncertain significance (1). Last evaluated 2026-05-05.

Conditions:
Hereditary cancer-predisposing syndrome. Also called: Hereditary Cancer Syndrome; Neoplastic Syndromes, Hereditary; Tumor predisposition; Hereditary neoplastic syndrome. Identifiers: Orphanet 140162, MedGen C0027672, MeSH D009386, MONDO:0015356.
Ataxia-telangiectasia syndrome (AT). Also called: LOUIS-BAR SYNDROME; Ataxia-telangiectasia, complementation group D; Cerebello-oculocutaneous telangiectasia; Immunodeficiency with ataxia telangiectasia; AT, COMPLEMENTATION GROUP C; ATAXIA-TELANGIECTASIA, COMPLEMENTATION GROUP A. Identifiers: Orphanet 100, MedGen C0004135, MONDO:0008840, OMIM 208900.

Submissions (2):

Ambry Genetics
Classification: Likely pathogenic for Hereditary cancer-predisposing syndrome. Last evaluated: 2026-05-05. Review status: criteria provided, single submitter. Criteria: Ambry Variant Classification Scheme 2023. Collection method: clinical testing. Allele origin: germline.
Comment: The c.4394_4396delTTC variant (also known as p.L1465del) is located in coding exon 28 of the ATM gene. This variant results from an in-frame TTC deletion at nucleotide positions 4394 to 4396. This results in the in-frame deletion of a leucine at codon 1465. This amino acid position is highly conserved in available vertebrate species, and the impacted region is critical for protein function (Ambry internal data). This variant is considered to be rare based on population cohorts in the Genome Aggregation Database (gnomAD). In addition, this variant is predicted to be deleterious by in silico analysis (Choi Y et al. PLoS ONE. 2012; 7(10):e46688). Based on the majority of available evidence to date, this variant is likely to be pathogenic.

Labcorp Genetics (formerly Invitae), Labcorp
Classification: Uncertain significance for Ataxia-telangiectasia syndrome. Last evaluated: 2021-09-01. Review status: criteria provided, single submitter. Criteria: Invitae Variant Classification Sherloc (09022015). Collection method: clinical testing. Allele origin: germline.
Comment: This variant, c.4394_4396del, results in the deletion of 1 amino acid(s) of the ATM protein (p.Leu1465del), but otherwise preserves the integrity of the reading frame. This variant is not present in population databases (ExAC no frequency). This variant has not been reported in the literature in individuals affected with ATM-related conditions. Experimental studies and prediction algorithms are not available or were not evaluated, and the functional significance of this variant is currently unknown. In summary, the available evidence is currently insufficient to determine the role of this variant in disease. Therefore, it has been classified as a Variant of Uncertain Significance.

NM_000051.4(ATM):c.4391TTC[1] (p.Leu1465del)

Gene: ATM (ATM serine/threonine kinase; plus strand). Cytogenetic location: 11q22.3.
Variant type: Microsatellite.
Coding change: c.4391TTC[1] on transcript NM_000051.4 (MANE Select); one copy of the 3-base unit TTC starting at c.4391; the reference has two copies in a row; one copy, 3 bases deleted.
Protein change: p.Leu1465del; deletes leucine 1465.
Molecular consequence: inframe deletion.
Genome position (GRCh38, 1-based): chr11:108,289,759-108,289,761, TTC deleted; deleting any 3 consecutive bases within chr11:108,289,756-108,289,761 gives the same sequence; the position shown is the placement nearest the transcript's 3' end. VCF-style (leftmost placement, unchanged base first): chr11-108289755-GTTC-G. GRCh37 (hg19) VCF-style: chr11-108160482-GTTC-G.
Other names: c.4394_4396delTTC (NM_000051.3); c.4391TTC[1], p.Leu1465del (NM_001351834.2); short protein forms L1465del.
Identifiers: ClinVar variation 964679 (VCV000964679.7), dbSNP rs2082682405, ClinGen allele CA1998785620.